The following is an entry in ClinVar:

ClinVar aggregate classification (germline): Uncertain significance. Review status: criteria provided, multiple submitters, no conflicts (2 of 4 stars). 2 submissions from 2 submitters: Uncertain significance (2). Last evaluated 2025-04-24.

Conditions:
Inborn genetic diseases. Identifiers: MedGen C0950123, MeSH D030342.

Allele frequency attached by ClinVar (database versions not stated): gnomAD exomes 0.00001; gnomAD 0.00003 and 0.00004; TOPMed 0.00003; ESP Exome Variant Server 0.00008; ExAC 0.00002.
gnomAD v4.1: 25 of 1,612,808 alleles (0.0016%); highest among the groups gnomAD compares: Non-Finnish European, 0.0019%; no homozygotes.

Submissions (2):

Ambry Genetics
Classification: Uncertain significance for Inborn genetic diseases. Last evaluated: 2025-04-24. Review status: criteria provided, single submitter. Criteria: Ambry Variant Classification Scheme 2023. Collection method: clinical testing. Allele origin: germline.

Labcorp Genetics (formerly Invitae), Labcorp
Classification: Uncertain significance. Last evaluated: 2022-06-09. Review status: criteria provided, single submitter. Criteria: Invitae Variant Classification Sherloc (09022015). Collection method: clinical testing. Allele origin: germline.
Comment: This sequence change replaces alanine, which is neutral and non-polar, with valine, which is neutral and non-polar, at codon 360 of the USH1G protein (p.Ala360Val). This variant is present in population databases (rs369623755, gnomAD 0.003%). This variant has not been reported in the literature in individuals affected with USH1G-related conditions. Algorithms developed to predict the effect of missense changes on protein structure and function are either unavailable or do not agree on the potential impact of this missense change (SIFT: "Not Available"; PolyPhen-2: "Possibly Damaging"; Align-GVGD: "Not Available"). In summary, the available evidence is currently insufficient to determine the role of this variant in disease. Therefore, it has been classified as a Variant of Uncertain Significance.

NM_173477.5(USH1G):c.1079C>T (p.Ala360Val)

Gene: USH1G (USH1 protein network component sans; minus strand). Cytogenetic location: 17q25.1.
Variant type: single nucleotide variant.
Coding change: c.1079C>T on transcript NM_173477.5 (MANE Select); coding-DNA position 1079, C replaced by T.
Protein change: p.Ala360Val; replaces alanine 360 with valine.
Molecular consequence: missense variant.
Genome position (GRCh38, 1-based): chr17:74,919,757, G>A on the plus strand (C>T on the coding strand, the complement: USH1G is on the minus strand). VCF-style: chr17-74919757-G-A. GRCh37 (hg19) VCF-style: chr17-72915852-G-A.
Other names: c.770C>T, p.Ala257Val (NM_001282489.3); c.1079C>T (NM_173477.2); short protein forms A257V, A360V.
Identifiers: ClinVar variation 1420490 (VCV001420490.7), dbSNP rs369623755, ClinGen allele CA8753936.